The following is an entry in ClinVar:

NM_000384.3(APOB):c.4365C>G (p.Phe1455Leu)

Gene: APOB (apolipoprotein B; minus strand). Cytogenetic location: 2p24.1.
Variant type: single nucleotide variant.
Coding change: c.4365C>G on transcript NM_000384.3 (MANE Select); coding-DNA position 4365, C replaced by G.
Protein change: p.Phe1455Leu; replaces phenylalanine 1455 with leucine.
Molecular consequence: missense variant.
Genome position (GRCh38, 1-based): chr2:21,012,503, G>C on the plus strand (C>G on the coding strand, the complement: APOB is on the minus strand). VCF-style: chr2-21012503-G-C. GRCh37 (hg19) VCF-style: chr2-21235375-G-C.
Other names: short protein forms F1455L.
Identifiers: ClinVar variation 3363665 (VCV003363665.3).

ClinVar aggregate classification (germline): Uncertain significance. Review status: criteria provided, multiple submitters, no conflicts (2 of 4 stars). 2 submissions from 2 submitters: Uncertain significance (2). Last evaluated 2024-08-21.

Conditions:
Familial hypobetalipoproteinemia 1. Also called: Hypobetalipoproteinemia, normotriglyceridemic; Acanthocytosis with hypobetalipoproteinemia; APOB-Related Familial Hypobetalipoproteinemia. Identifiers: MedGen C4551990, MONDO:0014252, OMIM 615558.
Hypercholesterolemia, autosomal dominant, type B (FHCL2). Also called: Familial Hypercholesterolemia Type B; APOLIPOPROTEIN B-100, FAMILIAL DEFECTIVE; APOLIPOPROTEIN B-100, FAMILIAL LIGAND-DEFECTIVE; HYPERCHOLESTEROLEMIA, FAMILIAL, DUE TO LIGAND-DEFECTIVE APOLIPOPROTEIN B; Hyperlipoproteinemia Type IIb; Familial hypercholesterolemia 2. Identifiers: MedGen C1704417, MONDO:0007751, OMIM 144010.

gnomAD v4.1: 1 of 1,613,988 alleles (0.000062%); highest among the groups gnomAD compares: African/African-American, 0.0013%; no homozygotes.

Submissions (2):

Labcorp Genetics (formerly Invitae), Labcorp
Classification: Uncertain significance for Familial hypobetalipoproteinemia 1; Hypercholesterolemia, autosomal dominant, type B. Last evaluated: 2024-08-21. Review status: criteria provided, single submitter. Criteria: Invitae Variant Classification Sherloc (09022015). Collection method: clinical testing. Allele origin: germline.
Comment: This sequence change replaces phenylalanine, which is neutral and non-polar, with leucine, which is neutral and non-polar, at codon 1455 of the APOB protein (p.Phe1455Leu). This variant is not present in population databases (gnomAD no frequency). This variant has not been reported in the literature in individuals affected with APOB-related conditions. Invitae Evidence Modeling of protein sequence and biophysical properties (such as structural, functional, and spatial information, amino acid conservation, physicochemical variation, residue mobility, and thermodynamic stability) indicates that this missense variant is not expected to disrupt APOB protein function with a negative predictive value of 95%. In summary, the available evidence is currently insufficient to determine the role of this variant in disease. Therefore, it has been classified as a Variant of Uncertain Significance.

GeneDx
Classification: Uncertain significance. Last evaluated: 2023-11-01. Review status: criteria provided, single submitter. Criteria: GeneDx Variant Classification Process June 2021. Collection method: clinical testing. Allele origin: germline. Affected: yes.
Comment: Not observed at significant frequency in large population cohorts (gnomAD); In silico analysis supports that this missense variant has a deleterious effect on protein structure/function; Has not been previously published as pathogenic or benign to our knowledge